The following is an entry in ClinVar:

ClinVar aggregate classification (germline): Uncertain significance. Review status: criteria provided, multiple submitters, no conflicts (2 of 4 stars). 2 submissions from 2 submitters: Uncertain significance (2). Last evaluated 2025-09-08.

Conditions:
Inborn genetic diseases. Identifiers: MedGen C0950123, MeSH D030342.

Allele frequency attached by ClinVar (database versions not stated): ExAC 0.00005; gnomAD 0.00008 and 0.00009; TOPMed 0.00008; ESP Exome Variant Server 0.00023.
gnomAD v4.1: 132 of 1,554,108 alleles (0.0085%); highest among the groups gnomAD compares: Non-Finnish European, 0.011%; no homozygotes.

Submissions (2):

Labcorp Genetics (formerly Invitae), Labcorp
Classification: Uncertain significance. Last evaluated: 2025-09-08. Review status: criteria provided, single submitter. Criteria: Invitae Variant Classification Sherloc (09022015). Collection method: clinical testing. Allele origin: germline.
Comment: This sequence change replaces arginine, which is basic and polar, with glutamine, which is neutral and polar, at codon 267 of the TRAF3IP1 protein (p.Arg267Gln). This variant is present in population databases (rs151259641, gnomAD 0.01%). This variant has not been reported in the literature in individuals affected with TRAF3IP1-related conditions. ClinVar contains an entry for this variant (Variation ID: 857003). Invitae Evidence Modeling of protein sequence and biophysical properties (such as structural, functional, and spatial information, amino acid conservation, physicochemical variation, residue mobility, and thermodynamic stability) indicates that this missense variant is expected to disrupt TRAF3IP1 protein function with a positive predictive value of 80%. In summary, the available evidence is currently insufficient to determine the role of this variant in disease. Therefore, it has been classified as a Variant of Uncertain Significance.

Ambry Genetics
Classification: Uncertain significance for Inborn genetic diseases. Last evaluated: 2023-12-19. Review status: criteria provided, single submitter. Criteria: Ambry Variant Classification Scheme 2023. Collection method: clinical testing. Allele origin: germline.

NM_015650.4(TRAF3IP1):c.800G>A (p.Arg267Gln)

Gene: TRAF3IP1 (TRAF3 interacting protein 1; plus strand). Cytogenetic location: 2q37.3.
Variant type: single nucleotide variant.
Coding change: c.800G>A on transcript NM_015650.4 (MANE Select); coding-DNA position 800, G replaced by A.
Protein change: p.Arg267Gln; replaces arginine 267 with glutamine.
Molecular consequence: missense variant.
Genome position (GRCh38, 1-based): chr2:238,329,227, G>A. VCF-style: chr2-238329227-G-A. GRCh37 (hg19) VCF-style: chr2-239237868-G-A.
Other names: c.800G>A, p.Arg267Gln (NM_001139490.1); short protein forms R267Q.
Identifiers: ClinVar variation 857003 (VCV000857003.8), dbSNP rs151259641, ClinGen allele CA2198146.